The following is an entry in ClinVar:

NM_004360.5(CDH1):c.923A>T (p.Asp308Val)

Gene: CDH1 (cadherin 1; plus strand). Cytogenetic location: 16q22.1.
Variant type: single nucleotide variant.
Coding change: c.923A>T on transcript NM_004360.5 (MANE Select); coding-DNA position 923, A replaced by T.
Protein change: p.Asp308Val; replaces aspartic acid 308 with valine.
Molecular consequence: missense variant. On other transcripts: 5 prime UTR variant (2).
Genome position (GRCh38, 1-based): chr16:68,811,774, A>T. VCF-style: chr16-68811774-A-T. GRCh37 (hg19) VCF-style: chr16-68845677-A-T.
Other names: c.923A>T (LRG_301t1, NM_004360.4); c.923A>T, p.Asp308Val (NM_001317184.2); c.-693A>T (NM_001317185.2); c.-897A>T (NM_001317186.2); short protein forms D308V.
Identifiers: ClinVar variation 571840 (VCV000571840.16), dbSNP rs1567506664, ClinGen allele CA396459727.
Genomic context (GRCh38, chr16:68,811,774, plus strand): 5'-ACGCGGACGATGATGTGAACACCTACAATGCCGCCATCGCTTACACCATCCTCAGCCAAG[A>T]TCCTGAGCTCCCTGACAAAAATATGTTCACCATTAACAGGAACACAGGAGTCATCAGTGT-3'
Protein context (NP_004351.1, residues 298-318): AAIAYTILSQ[Asp308Val]PELPDKNMFT

ClinVar aggregate classification (germline): Conflicting classifications of pathogenicity. Review status: criteria provided, conflicting classifications (1 of 4 stars). 5 submissions from 5 submitters: Uncertain significance (4); Likely benign (1). Last evaluated 2026-06-16.

Conditions:
Hereditary diffuse gastric adenocarcinoma (HDGC). Also called: DIFFUSE GASTRIC AND LOBULAR BREAST CANCER SYNDROME. Identifiers: Orphanet 26106, MedGen C1708349, MONDO:0007648, OMIM 137215.
Hereditary cancer-predisposing syndrome. Also called: Neoplastic Syndromes, Hereditary; Hereditary Cancer Syndrome; Hereditary neoplastic syndrome; Tumor predisposition. Identifiers: Orphanet 140162, MedGen C0027672, MeSH D009386, MONDO:0015356.

Submissions (5):

Ambry Genetics
Classification: Likely benign for Hereditary cancer-predisposing syndrome. Last evaluated: 2026-06-16. Review status: criteria provided, single submitter. Criteria: Ambry Variant Classification Scheme 2023. Collection method: clinical testing. Allele origin: germline.

Revvity Omics, Revvity
Classification: Uncertain significance. Last evaluated: 2025-04-01. Review status: criteria provided, single submitter. Criteria: ACMG Guidelines, 2015. Collection method: clinical testing. Allele origin: germline.

KCCC/NGS Laboratory, Kuwait Cancer Control Center
Classification: Uncertain significance for Hereditary diffuse gastric adenocarcinoma. Last evaluated: 2024-07-31. Review status: criteria provided, single submitter. Criteria: ACMG Guidelines, 2015. Collection method: clinical testing. Allele origin: germline. Inheritance: Autosomal dominant inheritance. Affected: yes. Observed: 1 heterozygote.
Comment: This sequence change replaces aspartic acid, which is acidic and polar, with valine, which is neutral and non-polar, at codon 308 of the CDH1 protein (p.Asp308Val). This variant is not present in population databases (gnomAD no frequency). ClinVar contains an entry for this variant (Variation ID: 571840). This variant is associated with the following publications: (PMID: 22850631, 15235021) .In silico analysis supports that this missense variant has a deleterious effect on protein structure/function. In summary, the available evidence is currently insufficient to determine the role of this variant in disease. Therefore, it has been classified as a Variant of Uncertain Significance.

GeneDx
Classification: Uncertain significance. Last evaluated: 2023-07-05. Review status: criteria provided, single submitter. Criteria: GeneDx Variant Classification Process June 2021. Collection method: clinical testing. Allele origin: germline. Affected: yes.
Comment: Not observed at significant frequency in large population cohorts (gnomAD); In silico analysis supports that this missense variant has a deleterious effect on protein structure/function; Has not been previously published as pathogenic or benign to our knowledge; This variant is associated with the following publications: (PMID: 22850631, 15235021)

Labcorp Genetics (formerly Invitae), Labcorp
Classification: Uncertain significance for Hereditary diffuse gastric adenocarcinoma. Last evaluated: 2022-06-14. Review status: criteria provided, single submitter. Criteria: Invitae Variant Classification Sherloc (09022015). Collection method: clinical testing. Allele origin: germline.
Comment: In summary, the available evidence is currently insufficient to determine the role of this variant in disease. Therefore, it has been classified as a Variant of Uncertain Significance. Algorithms developed to predict the effect of missense changes on protein structure and function are either unavailable or do not agree on the potential impact of this missense change (SIFT: "Deleterious"; PolyPhen-2: "Benign"; Align-GVGD: "Class C25"). ClinVar contains an entry for this variant (Variation ID: 571840). This variant has not been reported in the literature in individuals affected with CDH1-related conditions. This variant is not present in population databases (gnomAD no frequency). This sequence change replaces aspartic acid, which is acidic and polar, with valine, which is neutral and non-polar, at codon 308 of the CDH1 protein (p.Asp308Val).